The following is an entry in ClinVar:

ClinVar aggregate classification (germline): Uncertain significance (1 of 4 stars; one submission).

Conditions:
Charcot-Marie-Tooth disease type 4. Also called: Charcot-Marie-Tooth disease, type IV; Charcot-Marie-Tooth, Type 4. Identifiers: Orphanet 64749, MedGen C4082197, MONDO:0018995.

Submission:

Labcorp Genetics (formerly Invitae), Labcorp
Classification: Uncertain significance for Charcot-Marie-Tooth disease type 4. Last evaluated: 2021-08-27. Review status: criteria provided, single submitter. Criteria: Invitae Variant Classification Sherloc (09022015). Collection method: clinical testing. Allele origin: germline.
Comment: In summary, the available evidence is currently insufficient to determine the role of this variant in disease. Therefore, it has been classified as a Variant of Uncertain Significance. Algorithms developed to predict the effect of missense changes on protein structure and function are either unavailable or do not agree on the potential impact of this missense change (SIFT: "Deleterious"; PolyPhen-2: "Benign"; Align-GVGD: "Class C0"). This variant has not been reported in the literature in individuals affected with SBF2-related conditions. This variant is not present in population databases (ExAC no frequency). This sequence change replaces threonine with asparagine at codon 1640 of the SBF2 protein (p.Thr1640Asn). The threonine residue is moderately conserved and there is a small physicochemical difference between threonine and asparagine.

NM_030962.4(SBF2):c.4919C>A (p.Thr1640Asn)

Genes: SBF2 (SET binding factor 2; minus strand), SBF2-AS1 (SBF2 antisense RNA 1; plus strand), LOC105369149 (uncharacterized LOC105369149; plus strand). Cytogenetic location: 11p15.4.
Variant type: single nucleotide variant.
Coding change: c.4919C>A on transcript NM_030962.4 (MANE Select); coding-DNA position 4919, C replaced by A.
Protein change: p.Thr1640Asn; replaces threonine 1640 with asparagine.
Molecular consequence: missense variant.
Genome position (GRCh38, 1-based): chr11:9,789,122, G>T on the plus strand (C>A on the coding strand, the complement: SBF2 is on the minus strand). VCF-style: chr11-9789122-G-T. GRCh37 (hg19) VCF-style: chr11-9810669-G-T.
Other names: c.5015C>A, p.Thr1672Asn (NM_001386339.1); c.4790C>A, p.Thr1597Asn (NM_001386342.1); short protein forms T1640N, T1672N, T1597N.
Identifiers: ClinVar variation 1443956 (VCV001443956.6), dbSNP rs1284170057, ClinGen allele CA379633746.
Genomic context (GRCh38, chr11:9,789,122, plus strand): 5'-CTCCAGGGCCCCTGGTGCCCCTAGGTGTGTGTCTACAGTTGACTTACACTGAAAAGGCTG[G>T]TGAGAGCATCAGGCTGAGTACAGCTGACATCATCATAGCATGGCCACACTGTTCTCCTCT-3'
Protein context (NP_112224.1, residues 1630-1650): DVSCTQPDAL[Thr1640Asn]SLFSEIEKLE